The following is an entry in ClinVar:

ClinVar aggregate classification (germline): Uncertain significance. Review status: criteria provided, multiple submitters, no conflicts (2 of 4 stars). 2 submissions from 2 submitters: Uncertain significance (2). Last evaluated 2023-05-04.

Conditions:
Loeys-Dietz syndrome 2 (LDS2). Also called: AORTIC ANEURYSM, FAMILIAL THORACIC 3; MARFAN SYNDROME, TYPE II; Marfan Syndrome type 2; Marfan like connective tissue disorder; MFS 2; TGFBR2-Related Loeys-Dietz Syndrome. Identifiers: Orphanet 284973, Orphanet 558, MedGen C2674574, MONDO:0012427, OMIM 610168.

Submissions (2):

All of Us Research Program, National Institutes of Health
Classification: Uncertain significance for Loeys-Dietz syndrome 2. Last evaluated: 2023-05-04. Review status: criteria provided, single submitter. Criteria: ACMG Guidelines, 2015. Collection method: clinical testing. Allele origin: germline. Inheritance: Autosomal dominant inheritance. Observed: 1 variant allele, 1 heterozygote.
Comment: This missense variant replaces asparagine with serine at codon 303 of the TGFBR2 protein. Computational prediction suggests that this variant may have deleterious impact on protein structure and function (internally defined REVEL score threshold >= 0.7, PMID: 27666373). To our knowledge, functional studies have not been reported for this variant. This variant has not been reported in individuals affected with TGFBR2-related disorders in the literature. This variant has not been identified in the general population by the Genome Aggregation Database (gnomAD). The available evidence is insufficient to determine the role of this variant in disease conclusively. Therefore, this variant is classified as a Variant of Uncertain Significance.

This study involves interpretation of variants in research participants for the purpose of population health screening. Participant phenotype was not available at the time of variant classification. Additional details can be found in publication PMID: 35346344, PMCID: PMC8962531

GeneDx
Classification: Uncertain significance. Last evaluated: 2020-10-22. Review status: criteria provided, single submitter. Criteria: GeneDx Variant Classification Process June 2021. Collection method: clinical testing. Allele origin: germline. Affected: yes.
Comment: Not observed in large population cohorts (Lek et al., 2016); In silico analysis supports that this missense variant has a deleterious effect on protein structure/function; Has not been previously published as pathogenic or benign to our knowledge

NM_003242.6(TGFBR2):c.908A>G (p.Asn303Ser)

Gene: TGFBR2 (transforming growth factor beta receptor 2; plus strand). Cytogenetic location: 3p24.1.
Variant type: single nucleotide variant.
Coding change: c.908A>G on transcript NM_003242.6 (MANE Select); coding-DNA position 908, A replaced by G.
Protein change: p.Asn303Ser; replaces asparagine 303 with serine.
Molecular consequence: missense variant.
Genome position (GRCh38, 1-based): chr3:30,672,091, A>G. VCF-style: chr3-30672091-A-G. GRCh37 (hg19) VCF-style: chr3-30713583-A-G.
Other names: c.983A>G, p.Asn328Ser (NM_001024847.3); c.1091A>G, p.Asn364Ser (NM_001407126.1); c.1016A>G, p.Asn339Ser (NM_001407127.1); c.935A>G, p.Asn312Ser (NM_001407128.1); c.911A>G, p.Asn304Ser (NM_001407129.1); c.908A>G, p.Asn303Ser (NM_001407130.1); c.803A>G, p.Asn268Ser (NM_001407132.1, NM_001407133.1, NM_001407134.1 and 2 more transcripts); c.623A>G, p.Asn208Ser (NM_001407137.1); and 1 more; short protein forms N303S, N328S, N183S, N268S, N304S, N339S, N208S, N312S.
Identifiers: ClinVar variation 1188091 (VCV001188091.4), dbSNP rs2125435026, ClinGen allele CA351808143.